The following is an entry in ClinVar:

ClinVar aggregate classification (germline): Uncertain significance. Review status: criteria provided, multiple submitters, no conflicts (2 of 4 stars). 2 submissions from 2 submitters: Uncertain significance (2). Last evaluated 2023-11-01.

Submissions (2):

GeneDx
Classification: Uncertain significance. Last evaluated: 2023-11-01. Review status: criteria provided, single submitter. Criteria: GeneDx Variant Classification Process June 2021. Collection method: clinical testing. Allele origin: germline. Affected: yes.
Comment: Not observed at significant frequency in large population cohorts (gnomAD); In silico analysis supports that this missense variant has a deleterious effect on protein structure/function; Identified in a patient suspected of having Noonan syndrome and who also harbored a variant in the SOS2 gene in published literature (PMID: 25795793); This variant is associated with the following publications: (PMID: 33128510, Chatterjee2019[Abstract], Ghedira2017[CaseRpt], 27535533, 25795793)

Revvity Omics, Revvity
Classification: Uncertain significance. Last evaluated: 2021-02-01. Review status: criteria provided, single submitter. Criteria: ACMG Guidelines, 2015. Collection method: clinical testing. Allele origin: germline.

NM_006767.4(LZTR1):c.859C>T (p.His287Tyr)

Gene: LZTR1 (leucine zipper like post translational regulator 1; plus strand). Cytogenetic location: 22q11.21.
Variant type: single nucleotide variant.
Coding change: c.859C>T on transcript NM_006767.4 (MANE Select); coding-DNA position 859, C replaced by T.
Protein change: p.His287Tyr; replaces histidine 287 with tyrosine.
Molecular consequence: missense variant.
Genome position (GRCh38, 1-based): chr22:20,991,695, C>T. VCF-style: chr22-20991695-C-T. GRCh37 (hg19) VCF-style: chr22-21345984-C-T.
Other names: short protein forms H287Y.
Identifiers: ClinVar variation 2433580 (VCV002433580.4), dbSNP rs2518617109, ClinGen allele CA410781274.
Genomic context (GRCh38, chr22:20,991,695, plus strand): 5'-CGCATCCCAACTGAACACCTGCTCCGGGGCTCCCCACCACCCCCGCAGCGGCGCTACGGG[C>T]ATACCATGGTGGCCTTTGACCGCCACCTCTATGTGTTTGGGGGTGCGGCCGACAACACGC-3'
Protein context (NP_006758.2, residues 277-297): SPPPPQRRYG[His287Tyr]TMVAFDRHLY